The following is an entry in ClinVar:

NM_001367624.2(ZNF469):c.2063C>A (p.Thr688Asn)

Gene: ZNF469 (zinc finger protein 469; plus strand). Cytogenetic location: 16q24.2.
Variant type: single nucleotide variant.
Coding change: c.2063C>A on transcript NM_001367624.2 (MANE Select); coding-DNA position 2063, C replaced by A.
Protein change: p.Thr688Asn; replaces threonine 688 with asparagine.
Molecular consequence: missense variant.
Genome position (GRCh38, 1-based): chr16:88,429,533, C>A. VCF-style: chr16-88429533-C-A. GRCh37 (hg19) VCF-style: chr16-88495941-C-A.
Other names: short protein forms T688N.
Identifiers: ClinVar variation 126938 (VCV000126938.7), dbSNP rs281865146, ClinGen allele CA151315.

ClinVar aggregate classification (germline): Uncertain significance. Review status: criteria provided, multiple submitters, no conflicts (2 of 4 stars). 3 submissions from 3 submitters: Uncertain significance (2). 1 of the submissions does not count toward it. Last evaluated 2026-01-12.

Conditions:
Keratoconus 1 (KTCN1). Identifiers: MedGen C1835677, MONDO:0007851, OMIM 148300.

Allele frequency attached by ClinVar (database versions not stated): gnomAD exomes 0.00002; gnomAD 0.00004; TOPMed 0.00011.
gnomAD v4.1: 15 of 1,549,968 alleles (0.00097%); highest among the groups gnomAD compares: Admixed American, 0.02%; no homozygotes.

Submissions (3):

Women's Health and Genetics/Laboratory Corporation of America, LabCorp
Classification: Uncertain significance. Last evaluated: 2026-01-12. Review status: criteria provided, single submitter. Criteria: LabCorp Variant Classification Summary - May 2015. Collection method: clinical testing. Allele origin: germline.
Comment: Variant summary: ZNF469 c.2063C>A (p.Thr688Asn) results in a non-conservative amino acid change in the encoded protein sequence. Algorithms developed to predict the effect of missense changes on protein structure and function are either unavailable or do not agree on the potential impact of this missense change. The variant allele was found at a frequency of 2e-05 in 149178 control chromosomes. The available data on variant occurrences in the general population are insufficient to allow any conclusion about variant significance. c.2063C>A has been observed in individual(s) affected with Keratoconus (Lechner_2014). These report(s) do not provide unequivocal conclusions about association of the variant with Brittle cornea syndrome 1. To our knowledge, no experimental evidence demonstrating an impact on protein function has been reported. The following publication have been ascertained in the context of this evaluation (PMID: 24895405). ClinVar contains an entry for this variant (Variation ID: 126938). Based on the evidence outlined above, the variant was classified as uncertain significance.

Labcorp Genetics (formerly Invitae), Labcorp
Classification: Uncertain significance. Last evaluated: 2022-07-16. Review status: criteria provided, single submitter. Criteria: Invitae Variant Classification Sherloc (09022015). Collection method: clinical testing. Allele origin: germline.
Comment: This sequence change replaces threonine, which is neutral and polar, with asparagine, which is neutral and polar, at codon 688 of the ZNF469 protein (p.Thr688Asn). This variant is present in population databases (rs281865146, gnomAD 0.004%). This missense change has been observed in individual(s) with ZNF469-related conditions (PMID: 24895405). ClinVar contains an entry for this variant (Variation ID: 126938). Algorithms developed to predict the effect of missense changes on protein structure and function are either unavailable or do not agree on the potential impact of this missense change (SIFT: "Deleterious"; PolyPhen-2: "Benign"; Align-GVGD: "Class C0"). In summary, the available evidence is currently insufficient to determine the role of this variant in disease. Therefore, it has been classified as a Variant of Uncertain Significance.

Willoughby Group, Queen's University Belfast
Classification: Pathogenic for Keratoconus 1. Review status: no assertion criteria provided. Collection method: not provided. Allele origin: germline. Not counted in ClinVar's aggregate classification.
ClinVar note: Converted during submission from pathogenic to Pathogenic.

Literature cited by the submitters: PubMed 24895405 (cited by Women's Health and Genetics/Laboratory Corporation of America, LabCorp and Labcorp Genetics (formerly Invitae), Labcorp).